The following is an entry in ClinVar:

NM_032520.5(GNPTG):c.609+1del

Gene: GNPTG (N-acetylglucosamine-1-phosphate transferase subunit gamma; plus strand). Cytogenetic location: 16p13.3.
Variant type: Deletion.
Coding change: c.609+1del on transcript NM_032520.5 (MANE Select); the canonical splice donor site of the intron after coding-DNA position 609, one base deleted (G; older notation c.609+1delG).
Molecular consequence: splice donor variant.
Genome position (GRCh38, 1-based): chr16:1,362,535, G deleted; the last of 2 consecutive G bases (chr16:1,362,534-1,362,535); deleting either gives the same sequence. VCF-style (leftmost placement, unchanged base first): chr16-1362533-AG-A. GRCh37 (hg19) VCF-style: chr16-1412534-AG-A.
Identifiers: ClinVar variation 2884063 (VCV002884063.3), dbSNP rs193302852, ClinGen allele CA2695221404.

ClinVar aggregate classification (germline): Pathogenic (1 of 4 stars; one submission).

Submission:

Labcorp Genetics (formerly Invitae), Labcorp
Classification: Pathogenic. Last evaluated: 2023-06-02. Review status: criteria provided, single submitter. Criteria: Invitae Variant Classification Sherloc (09022015). Collection method: clinical testing. Allele origin: germline.
Comment: This premature translational stop signal has been observed in individual(s) with mucolipidosis type III gamma (PMID: 29872134). This variant is also known as c.609+1del. For these reasons, this variant has been classified as Pathogenic. Algorithms developed to predict the effect of sequence changes on RNA splicing suggest that this variant may disrupt the consensus splice site. This sequence change creates a premature translational stop signal (Splice site) in the GNPTG gene. It is expected to result in an absent or disrupted protein product. Loss-of-function variants in GNPTG are known to be pathogenic (PMID: 19370764, 20301784). This variant is not present in population databases (gnomAD no frequency).

Literature cited by the submitters: PubMed 29872134; PubMed 19370764; PubMed 20301784.